The following is an entry in ClinVar:

NM_017780.4(CHD7):c.8767G>C (p.Ala2923Pro)

Gene: CHD7 (chromodomain helicase DNA binding protein 7; plus strand). Cytogenetic location: 8q12.2.
Variant type: single nucleotide variant.
Coding change: c.8767G>C on transcript NM_017780.4 (MANE Select); coding-DNA position 8767, G replaced by C.
Protein change: p.Ala2923Pro; replaces alanine 2923 with proline.
Molecular consequence: missense variant.
Genome position (GRCh38, 1-based): chr8:60,865,706, G>C. VCF-style: chr8-60865706-G-C. GRCh37 (hg19) VCF-style: chr8-61778265-G-C.
Other names: c.2620G>C, p.Ala874Pro (NM_001316690.1); short protein forms A2923P, A874P.
Identifiers: ClinVar variation 4738593 (VCV004738593.1).
Genomic context (GRCh38, chr8:60,865,706, plus strand): 5'-TTCTACCCATCCATGTTTCTACCTCCAGGACTGGGGGGATTGACGCTGCCTGGGTTCCCA[G>C]CATTGGCAGGACTTCAGAATGCCGTGGGCTCCAGCGAAGAAAAGGCTGCTGACAAGGCTG-3'
Protein context (NP_060250.2, residues 2913-2933): LGGLTLPGFP[Ala2923Pro]LAGLQNAVGS

ClinVar aggregate classification (germline): Uncertain significance (1 of 4 stars; one submission).

Conditions:
CHARGE syndrome (CHARGE). Also called: Hittner Hirsch Kreh syndrome; CHARGE ASSOCIATION--COLOBOMA, HEART ANOMALY, CHOANAL ATRESIA, RETARDATION, GENITAL AND EAR ANOMALIES; Coloboma, heart anomaly, choanal atresia, retardation, genital and ear anomalies; CHARGE association; Hall-Hittner syndrome. Identifiers: Orphanet 138, MedGen C0265354, MONDO:0008965.

gnomAD v4.1: 2 of 1,607,564 alleles (0.00012%); highest among the groups gnomAD compares: Non-Finnish European, 0.00017%; no homozygotes.

Submission:

Labcorp Genetics (formerly Invitae), Labcorp
Classification: Uncertain significance for CHARGE syndrome. Last evaluated: 2025-10-05. Review status: criteria provided, single submitter. Criteria: Invitae Variant Classification Sherloc (09022015). Collection method: clinical testing. Allele origin: germline.
Comment: This sequence change replaces alanine, which is neutral and non-polar, with proline, which is neutral and non-polar, at codon 2923 of the CHD7 protein (p.Ala2923Pro). This variant is not present in population databases (gnomAD no frequency). This variant has not been reported in the literature in individuals affected with CHD7-related conditions. Invitae Evidence Modeling of protein sequence and biophysical properties (such as structural, functional, and spatial information, amino acid conservation, physicochemical variation, residue mobility, and thermodynamic stability) indicates that this missense variant is not expected to disrupt CHD7 protein function with a negative predictive value of 95%. In summary, the available evidence is currently insufficient to determine the role of this variant in disease. Therefore, it has been classified as a Variant of Uncertain Significance.